The following is an entry in ClinVar:

NM_000878.5(IL2RB):c.31C>A (p.Pro11Thr)

Gene: IL2RB (interleukin 2 receptor subunit beta; minus strand). Cytogenetic location: 22q12.3.
Variant type: single nucleotide variant.
Coding change: c.31C>A on transcript NM_000878.5 (MANE Select); coding-DNA position 31, C replaced by A.
Protein change: p.Pro11Thr; replaces proline 11 with threonine.
Molecular consequence: missense variant.
Genome position (GRCh38, 1-based): chr22:37,144,142, G>T on the plus strand (C>A on the coding strand, the complement: IL2RB is on the minus strand). VCF-style: chr22-37144142-G-T. GRCh37 (hg19) VCF-style: chr22-37540182-G-T.
Other names: c.31C>A, p.Pro11Thr (NM_001346222.1, NM_001346223.2); c.31C>A (NM_000878.2); short protein forms P11T.
Identifiers: ClinVar variation 1505801 (VCV001505801.5), dbSNP rs796822195, ClinGen allele CA324056640.

ClinVar aggregate classification (germline): Uncertain significance. Review status: criteria provided, multiple submitters, no conflicts (2 of 4 stars). 2 submissions from 2 submitters: Uncertain significance (2). Last evaluated 2023-12-06.

Allele frequency attached by ClinVar (database versions not stated): gnomAD 0.00002; gnomAD exomes 0.00022.
gnomAD v4.1: 41 of 1,552,006 alleles (0.0026%); highest among the groups gnomAD compares: Admixed American, 0.08%; no homozygotes.

Submissions (2):

Labcorp Genetics (formerly Invitae), Labcorp
Classification: Uncertain significance. Last evaluated: 2023-12-06. Review status: criteria provided, single submitter. Criteria: Invitae Variant Classification Sherloc (09022015). Collection method: clinical testing. Allele origin: germline.
Comment: This sequence change replaces proline, which is neutral and non-polar, with threonine, which is neutral and polar, at codon 11 of the IL2RB protein (p.Pro11Thr). This variant is present in population databases (rs796822195, gnomAD 0.1%). This variant has not been reported in the literature in individuals affected with IL2RB-related conditions. ClinVar contains an entry for this variant (Variation ID: 1505801). An algorithm developed to predict the effect of missense changes on protein structure and function (PolyPhen-2) suggests that this variant¬†is likely to be tolerated. In summary, the available evidence is currently insufficient to determine the role of this variant in disease. Therefore, it has been classified as a Variant of Uncertain Significance.

Ambry Genetics
Classification: Uncertain significance. Last evaluated: 2022-04-22. Review status: criteria provided, single submitter. Criteria: Ambry Variant Classification Scheme 2023. Collection method: clinical testing. Allele origin: germline.